The following is an entry in ClinVar:

ClinVar aggregate classification (germline): Uncertain significance (1 of 4 stars; one submission).

Conditions:
Meckel-Gruber syndrome. Also called: DYSENCEPHALIA SPLANCHNOCYSTICA; GRUBER SYNDROME; Dysencephalia splachnocystica. Identifiers: Orphanet 564, MedGen C0265215, MONDO:0018921.
Joubert syndrome. Also called: CEREBELLOPARENCHYMAL DISORDER IV; JOUBERT-BOLTSHAUSER SYNDROME; Familial aplasia of the vermis. Identifiers: Orphanet 475, MedGen C5979921, MONDO:0018772.

Submission:

Labcorp Genetics (formerly Invitae), Labcorp
Classification: Uncertain significance for Joubert syndrome; Meckel-Gruber syndrome. Last evaluated: 2023-09-26. Review status: criteria provided, single submitter. Criteria: Invitae Variant Classification Sherloc (09022015). Collection method: clinical testing. Allele origin: germline.
Comment: This sequence change replaces isoleucine, which is neutral and non-polar, with lysine, which is basic and polar, at codon 397 of the TCTN2 protein (p.Ile397Lys). This variant is not present in population databases (gnomAD no frequency). This variant has not been reported in the literature in individuals affected with TCTN2-related conditions. ClinVar contains an entry for this variant (Variation ID: 1717470). Advanced modeling of protein sequence and biophysical properties (such as structural, functional, and spatial information, amino acid conservation, physicochemical variation, residue mobility, and thermodynamic stability) performed at Invitae indicates that this missense variant is expected to disrupt TCTN2 protein function. In summary, the available evidence is currently insufficient to determine the role of this variant in disease. Therefore, it has been classified as a Variant of Uncertain Significance.

NM_024809.5(TCTN2):c.1190T>A (p.Ile397Lys)

Gene: TCTN2 (tectonic family member 2; plus strand). Cytogenetic location: 12q24.31.
Variant type: single nucleotide variant.
Coding change: c.1190T>A on transcript NM_024809.5 (MANE Select); coding-DNA position 1190, T replaced by A.
Protein change: p.Ile397Lys; replaces isoleucine 397 with lysine.
Molecular consequence: missense variant.
Genome position (GRCh38, 1-based): chr12:123,694,932, T>A. VCF-style: chr12-123694932-T-A. GRCh37 (hg19) VCF-style: chr12-124179479-T-A.
Other names: c.1187T>A, p.Ile396Lys (NM_001143850.3); short protein forms I396K, I397K.
Identifiers: ClinVar variation 1717470 (VCV001717470.6), dbSNP rs2135846756, ClinGen allele CA387142507.